The following is an entry in ClinVar:

NM_025132.4(WDR19):c.2771G>A (p.Trp924Ter)

Gene: WDR19 (WD repeat domain 19; plus strand). Cytogenetic location: 4p14.
Variant type: single nucleotide variant.
Coding change: c.2771G>A on transcript NM_025132.4 (MANE Select); coding-DNA position 2771, G replaced by A.
Protein change: p.Trp924Ter; replaces tryptophan 924 with a stop codon.
Molecular consequence: nonsense.
Genome position (GRCh38, 1-based): chr4:39,253,187, G>A. VCF-style: chr4-39253187-G-A. GRCh37 (hg19) VCF-style: chr4-39254807-G-A.
Other names: c.2291G>A, p.Trp764Ter (NM_001317924.2); short protein forms W924*, W764*.
Identifiers: ClinVar variation 2945979 (VCV002945979.3), dbSNP rs2475315582, ClinGen allele CA356641197.

ClinVar aggregate classification (germline): Pathogenic (1 of 4 stars; one submission).

Conditions:
Senior-Loken syndrome 8 (SLSN8). Identifiers: Orphanet 3156, MedGen C4225376, MONDO:0014579, OMIM 616307.
Asphyxiating thoracic dystrophy 5 (SRTD5). Also called: SHORT-RIB THORACIC DYSPLASIA 5 WITH OR WITHOUT POLYDACTYLY; SHORT-RIB THORACIC DYSPLASIA 5 WITHOUT POLYDACTYLY. Identifiers: Orphanet 474, MedGen C3280598, MONDO:0013717, OMIM 614376.

Submission:

Labcorp Genetics (formerly Invitae), Labcorp
Classification: Pathogenic for Senior-Loken syndrome 8; Asphyxiating thoracic dystrophy 5. Last evaluated: 2023-11-21. Review status: criteria provided, single submitter. Criteria: Invitae Variant Classification Sherloc (09022015). Collection method: clinical testing. Allele origin: germline.
Comment: This sequence change creates a premature translational stop signal (p.Trp924*) in the WDR19 gene. It is expected to result in an absent or disrupted protein product. Loss-of-function variants in WDR19 are known to be pathogenic (PMID: 22019273, 23559409, 23683095, 26275793, 27241786, 29068549). This variant is not present in population databases (gnomAD no frequency). This variant has not been reported in the literature in individuals affected with WDR19-related conditions. For these reasons, this variant has been classified as Pathogenic.

Literature cited by the submitters: PubMed 22019273; PubMed 23559409; PubMed 23683095; PubMed 26275793; PubMed 27241786; PubMed 29068549.